The following is an entry in ClinVar:

NM_003062.4(SLIT3):c.1506C>T (p.Asp502=)

Gene: SLIT3 (slit guidance ligand 3; minus strand). Cytogenetic location: 5q34.
Variant type: single nucleotide variant.
Coding change: c.1506C>T on transcript NM_003062.4 (MANE Select); coding-DNA position 1506, C replaced by T.
Protein change: p.Asp502=; no amino-acid change (aspartic acid 502 retained).
Molecular consequence: synonymous variant.
Genome position (GRCh38, 1-based): chr5:168,762,643, G>A on the plus strand (C>T on the coding strand, the complement: SLIT3 is on the minus strand). VCF-style: chr5-168762643-G-A. GRCh37 (hg19) VCF-style: chr5-168189648-G-A.
Other names: c.1506C>T, p.Asp502= (NM_001271946.2).
Identifiers: ClinVar variation 2656059 (VCV002656059.24), dbSNP rs150725100, ClinGen allele CA3551615.

ClinVar aggregate classification (germline): Likely benign (1 of 4 stars; one submission).

Allele frequency attached by ClinVar (database versions not stated): 1000 Genomes Project 0.00080; 1000 Genomes Project 30x 0.00094; gnomAD 0.00209; ExAC 0.00214; ESP Exome Variant Server 0.00331.
gnomAD v4.1: 5,934 of 1,614,122 alleles (0.37%); highest among the groups gnomAD compares: Non-Finnish European, 0.48%; 19 homozygotes.

Submission:

CeGaT Center for Human Genetics Tuebingen
Classification: Likely benign. Last evaluated: 2026-09-01. Review status: criteria provided, single submitter. Criteria: CeGaT Center For Human Genetics Tuebingen Variant Classification Criteria Version 2. Collection method: clinical testing. Allele origin: germline. Affected: yes. Observed: 4 variant alleles.
Comment: SLIT3: BP4, BP7, BS2